The following is an entry in ClinVar:

ClinVar aggregate classification (germline): Uncertain significance (1 of 4 stars; one submission).

Submission:

Labcorp Genetics (formerly Invitae), Labcorp
Classification: Uncertain significance. Last evaluated: 2025-01-06. Review status: criteria provided, single submitter. Criteria: Invitae Variant Classification Sherloc (09022015). Collection method: clinical testing. Allele origin: germline.
Comment: This sequence change affects codon 451 of the KIF20A mRNA. It is a 'silent' change, meaning that it does not change the encoded amino acid sequence of the KIF20A protein. It affects a nucleotide within the consensus splice site. This variant is not present in population databases (gnomAD no frequency). This variant has not been reported in the literature in individuals affected with KIF20A-related conditions. Algorithms developed to predict the effect of sequence changes on RNA splicing suggest that this variant is not likely to affect RNA splicing. In summary, the available evidence is currently insufficient to determine the role of this variant in disease. Therefore, it has been classified as a Variant of Uncertain Significance.

NM_005733.3(KIF20A):c.1353G>A (p.Arg451=)

Gene: KIF20A (kinesin family member 20A; plus strand). Cytogenetic location: 5q31.2.
Variant type: single nucleotide variant.
Coding change: c.1353G>A on transcript NM_005733.3 (MANE Select); coding-DNA position 1353, G replaced by A.
Protein change: p.Arg451=; no amino-acid change (arginine 451 retained).
Molecular consequence: synonymous variant.
Genome position (GRCh38, 1-based): chr5:138,184,239, G>A. VCF-style: chr5-138184239-G-A. GRCh37 (hg19) VCF-style: chr5-137519928-G-A.
Identifiers: ClinVar variation 3626985 (VCV003626985.2).